The following is an entry in ClinVar:

ClinVar aggregate classification (germline): Uncertain significance (1 of 4 stars; one submission).

Conditions:
Cardiovascular phenotype. Identifiers: MedGen CN230736.

Allele frequency attached by ClinVar (database versions not stated): gnomAD exomes below 0.00001; TOPMed below 0.00001.
gnomAD v4.1: 6 of 1,614,216 alleles (0.00037%); highest among the groups gnomAD compares: Admixed American, 0.0017%; no homozygotes.

Submission:

Ambry Genetics
Classification: Uncertain significance for Cardiovascular phenotype. Last evaluated: 2022-01-30. Review status: criteria provided, single submitter. Criteria: Ambry Variant Classification Scheme 2023. Collection method: clinical testing. Allele origin: germline.
Comment: The p.M832V variant (also known as c.2494A>G), located in coding exon 19 of the MYH6 gene, results from an A to G substitution at nucleotide position 2494. The methionine at codon 832 is replaced by valine, an amino acid with highly similar properties. This amino acid position is conserved. In addition, this alteration is predicted to be deleterious by in silico analysis. Since supporting evidence is limited at this time, the clinical significance of this alteration remains unclear.

NM_002471.4(MYH6):c.2494A>G (p.Met832Val)

Gene: MYH6 (myosin heavy chain 6; minus strand). Cytogenetic location: 14q11.2.
Variant type: single nucleotide variant.
Coding change: c.2494A>G on transcript NM_002471.4 (MANE Select); coding-DNA position 2494, A replaced by G.
Protein change: p.Met832Val; replaces methionine 832 with valine.
Molecular consequence: missense variant.
Genome position (GRCh38, 1-based): chr14:23,394,259, T>C on the plus strand (A>G on the coding strand, the complement: MYH6 is on the minus strand). VCF-style: chr14-23394259-T-C. GRCh37 (hg19) VCF-style: chr14-23863468-T-C.
Other names: short protein forms M832V.
Identifiers: ClinVar variation 1792115 (VCV001792115.2), dbSNP rs1373471642, ClinGen allele CA389014612.